The following is an entry in ClinVar:

ClinVar aggregate classification (germline): Uncertain significance (1 of 4 stars; one submission).

Submission:

Labcorp Genetics (formerly Invitae), Labcorp
Classification: Uncertain significance. Last evaluated: 2022-02-01. Review status: criteria provided, single submitter. Criteria: Invitae Variant Classification Sherloc (09022015). Collection method: clinical testing. Allele origin: germline.
Comment: In summary, the available evidence is currently insufficient to determine the role of this variant in disease. Therefore, it has been classified as a Variant of Uncertain Significance. Algorithms developed to predict the effect of missense changes on protein structure and function (SIFT, PolyPhen-2, Align-GVGD) all suggest that this variant is likely to be disruptive. ClinVar contains an entry for this variant (Variation ID: 858707). This variant has not been reported in the literature in individuals affected with CHRM2-related conditions. This variant is not present in population databases (gnomAD no frequency). This sequence change replaces cysteine, which is neutral and slightly polar, with serine, which is neutral and polar, at codon 429 of the CHRM2 protein (p.Cys429Ser).

NM_001006630.2(CHRM2):c.1286G>C (p.Cys429Ser)

Genes: CHRM2 (cholinergic receptor muscarinic 2; plus strand), LOC349160 (uncharacterized LOC349160; minus strand). Cytogenetic location: 7q33.
Variant type: single nucleotide variant.
Coding change: c.1286G>C on transcript NM_001006630.2 (MANE Select); coding-DNA position 1286, G replaced by C.
Protein change: p.Cys429Ser; replaces cysteine 429 with serine.
Molecular consequence: missense variant.
Genome position (GRCh38, 1-based): chr7:137,016,151, G>C. VCF-style: chr7-137016151-G-C. GRCh37 (hg19) VCF-style: chr7-136700898-G-C.
Other names: c.1286G>C, p.Cys429Ser (NM_000739.3, NM_001006626.3, NM_001006627.3 and 6 more transcripts); short protein forms C429S.
Identifiers: ClinVar variation 858707 (VCV000858707.9), dbSNP rs1805176312, ClinGen allele CA369488374.
Genomic context (GRCh38, chr7:137,016,151, plus strand): 5'-TTAACACCTTTTGTGCACCTTGCATCCCCAACACTGTGTGGACAATTGGTTACTGGCTTT[G>C]TTACATCAACAGCACTATCAACCCTGCCTGCTATGCACTTTGCAATGCCACCTTCAAGAA-3'
Protein context (NP_001006631.1, residues 419-439): NTVWTIGYWL[Cys429Ser]YINSTINPAC